The following is an entry in ClinVar:

ClinVar aggregate classification (germline): Pathogenic/Likely pathogenic. Review status: criteria provided, multiple submitters, no conflicts (2 of 4 stars). 3 submissions from 3 submitters: Pathogenic (1); Likely pathogenic (1). 1 of the submissions does not count toward it. Last evaluated 2025-10-07.

Conditions:
CEP290-related disorder. Also called: CEP290-related condition; CEP290-related disorders. Identifiers: MedGen CN239314.
CEP290-related ciliopathy. Also called: CEP290 ciliopathy. Identifiers: MedGen CN305601, MONDO:0100451.

Submissions (3):

Myriad Genetics, Inc.
Classification: Pathogenic for CEP290-related ciliopathy. Last evaluated: 2025-10-07. Review status: criteria provided, single submitter. Criteria: Myriad Autosomal Dominant, Autosomal Recessive and X-Linked Classification Criteria (2023). Collection method: clinical testing. Allele origin: unknown.
Comment: NM_025114.3(CEP290):c.941delA(K314Sfs*2) is expected to be pathogenic in the context of CEP290-related disorders. This variant is predicted to lead to an abnormal or absent protein product due to the creation of a premature termination codon in CEP290, a gene where loss-of-function variants are known to be pathogenic. Please note: this variant was assessed in the context of healthy population screening.

Blueprint Genetics
Classification: Likely pathogenic for CEP290-related disorders. Last evaluated: 2019-11-05. Review status: criteria provided, single submitter. Criteria: ACMG Guidelines, 2015. Collection method: clinical testing. Allele origin: germline. Affected: yes. Observed: 1 variant allele.

PreventionGenetics, part of Exact Sciences
Classification: Pathogenic for CEP290-related condition. Last evaluated: 2024-07-24. Review status: no assertion criteria provided. Collection method: clinical testing. Allele origin: germline. Not counted in ClinVar's aggregate classification.
Comment: The CEP290 c.941delA variant is predicted to result in a frameshift and premature protein termination (p.Lys314Serfs*2). To our knowledge, this variant has not been reported in the literature or in a large population database, indicating this variant is rare. Frameshift variants in CEP290 are expected to be pathogenic. This variant is interpreted as pathogenic.

NM_025114.4(CEP290):c.941del (p.Lys314fs)

Gene: CEP290 (centrosomal protein 290; minus strand). Cytogenetic location: 12q21.32.
Variant type: Deletion.
Coding change: c.941del on transcript NM_025114.4 (MANE Select); coding-DNA position 941, one base deleted (A; older notation c.941delA).
Protein change: p.Lys314fs; shifts the reading frame from lysine 314.
Molecular consequence: frameshift variant.
Genome position (GRCh38, 1-based): chr12:88,128,947, T deleted on the plus strand (A on the coding strand, the reverse complement: CEP290 is on the minus strand); the first of 2 consecutive T bases (chr12:88,128,947-88,128,948); deleting either gives the same sequence. VCF-style (leftmost placement, unchanged base first): chr12-88128946-CT-C. GRCh37 (hg19) VCF-style: chr12-88522723-CT-C.
Other names: short protein forms K314fs.
Identifiers: ClinVar variation 3346741 (VCV003346741.3).